The following is an entry in ClinVar:

NM_194248.3(OTOF):c.3599del (p.Pro1200fs)

Gene: OTOF (otoferlin; minus strand). Cytogenetic location: 2p23.3.
Variant type: Deletion.
Coding change: c.3599del on transcript NM_194248.3 (MANE Select); coding-DNA position 3599, one base deleted (C; older notation c.3599delC).
Protein change: p.Pro1200fs; shifts the reading frame from proline 1200.
Molecular consequence: frameshift variant.
Genome position (GRCh38, 1-based): chr2:26,473,266, G deleted on the plus strand (C on the coding strand, the reverse complement: OTOF is on the minus strand); the first of 3 consecutive G bases (chr2:26,473,266-26,473,268); deleting any one gives the same sequence. VCF-style (leftmost placement, unchanged base first): chr2-26473265-CG-C. GRCh37 (hg19) VCF-style: chr2-26696133-CG-C.
Other names: c.3599del, p.Pro1200fs (NM_001287489.2); c.1358del, p.Pro453fs (NM_004802.4, NM_194323.3); c.1529del, p.Pro510fs (NM_194322.3); short protein forms P1200fs, P453fs, P510fs.
Identifiers: ClinVar variation 4879925 (VCV004879925.1).

ClinVar aggregate classification (germline): Pathogenic (0 of 4 stars; one submission).

Conditions:
Autosomal recessive nonsyndromic hearing loss 9. Also called: NEUROSENSORY NONSYNDROMIC RECESSIVE DEAFNESS 9; OTOF-Related Hearing Loss; Deafness, autosomal recessive 9; AUDITORY NEUROPATHY, AUTOSOMAL RECESSIVE, 1, TEMPERATURE-SENSITIVE. Identifiers: Orphanet 90636, MedGen C1832828, MONDO:0010986, OMIM 601071.

Submission:

Diagnosis and Treatment Center of Genetic Hearing Loss, Eye & ENT Hospital of Fudan University
Classification: Pathogenic for Autosomal recessive nonsyndromic hearing loss 9. Last evaluated: 2026-02-04. Review status: no assertion criteria provided. Collection method: clinical testing. Allele origin: germline. Inheritance: Autosomal recessive inheritance. Affected: yes.
Comment: The c.3599delC frameshift variant in OTOF leads to a premature stop codon and predicted NMD (PVS1). It is absent from population databases (PM2_Supporting). It was identified in trans with a likely pathogenic variant (PM3).